The following is an entry in ClinVar:

NM_000520.6(HEXA):c.965A>G (p.Asp322Gly)

Gene: HEXA (hexosaminidase subunit alpha; minus strand). Cytogenetic location: 15q23.
Variant type: single nucleotide variant.
Coding change: c.965A>G on transcript NM_000520.6 (MANE Select); coding-DNA position 965, A replaced by G.
Protein change: p.Asp322Gly; replaces aspartic acid 322 with glycine.
Molecular consequence: missense variant. On other transcripts: non-coding transcript variant (1).
Genome position (GRCh38, 1-based): chr15:72,349,100, T>C on the plus strand (A>G on the coding strand, the complement: HEXA is on the minus strand). VCF-style: chr15-72349100-T-C. GRCh37 (hg19) VCF-style: chr15-72641441-T-C.
Other names: c.965A>G (NM_000520.5); c.998A>G, p.Asp333Gly (NM_001318825.2); short protein forms D333G, D322G.
Identifiers: ClinVar variation 2965563 (VCV002965563.5), dbSNP rs2088660373, ClinGen allele CA393062189.

ClinVar aggregate classification (germline): Pathogenic/Likely pathogenic. Review status: criteria provided, multiple submitters, no conflicts (2 of 4 stars). 3 submissions from 3 submitters: Pathogenic (1); Likely pathogenic (2). Last evaluated 2025-06-13.

Conditions:
Tay-Sachs disease (TSD). Also called: HEXA Disorders; HEXA DEFICIENCY; GM2 gangliosidosis, type 1; Hexosaminidase alpha-subunit deficiency (variant B); Sphingolipidosis, Tay-Sachs; Hexosaminidase A Deficiency. Identifiers: Orphanet 845, MedGen C0039373, MONDO:0010100, OMIM 272800.

Submissions (3):

Women's Health and Genetics/Laboratory Corporation of America, LabCorp
Classification: Likely pathogenic for Tay-Sachs disease. Last evaluated: 2025-06-13. Review status: criteria provided, single submitter. Criteria: LabCorp Variant Classification Summary - May 2015. Collection method: clinical testing. Allele origin: germline.
Comment: Variant summary: HEXA c.965A>G (p.Asp322Gly) results in a non-conservative amino acid change in the encoded protein sequence. Algorithms developed to predict the effect of missense changes on protein structure and function all suggest that this variant is likely to be disruptive. The variant was absent in 251390 control chromosomes. c.965A>G has been observed in the homozygous state in at least one individual affected with Tay-Sachs Disease (Park_2021). These data indicate that the variant may be associated with disease. A different variant affecting the same codon has been classified as pathogenic by our lab (c.964G>T, p.Asp322Tyr), supporting the critical relevance of codon 322 to HEXA protein function. To our knowledge, no experimental evidence demonstrating an impact on protein function has been reported. The following publication have been ascertained in the context of this evaluation (PMID: 33811753). ClinVar contains an entry for this variant (Variation ID: 2965563). Based on the evidence outlined above, the variant was classified as likely pathogenic.

Natera, Inc.
Classification: Likely pathogenic for Tay-Sachs disease. Last evaluated: 2024-12-30. Review status: criteria provided, single submitter. Criteria: Natera Variant Classification Schema (03/2026). Collection method: clinical testing. Allele origin: germline.
Comment: The c.965A>G variant in HEXA is a missense variant predicted to cause substitution of aspartic acid to glycine at amino acid 322. This variant is rare in the general population with a frequency below the threshold expected for the associated phenotype(s). This variant has been observed in one or more individuals affected with the associated recessive disease, as either homozygous or compound heterozygous with a second variant (PMID: 33811753). A different variant at the same position has been determined to be Pathogenic or Likely Pathogenic. Computational prediction algorithms indicate this variant is likely to affect gene or protein function. Given the available evidence, this variant is classified as Likely Pathogenic.

Labcorp Genetics (formerly Invitae), Labcorp
Classification: Pathogenic for Tay-Sachs disease. Last evaluated: 2022-11-29. Review status: criteria provided, single submitter. Criteria: Invitae Variant Classification Sherloc (09022015). Collection method: clinical testing. Allele origin: germline.
Comment: For these reasons, this variant has been classified as Pathogenic. This variant disrupts the p.Asp322 amino acid residue in HEXA. Other variant(s) that disrupt this residue have been determined to be pathogenic (PMID: 22390110, 22723944, 23852624; Invitae). This suggests that this residue is clinically significant, and that variants that disrupt this residue are likely to be disease-causing. Algorithms developed to predict the effect of sequence changes on RNA splicing suggest that this variant may disrupt the consensus splice site. Advanced modeling of protein sequence and biophysical properties (such as structural, functional, and spatial information, amino acid conservation, physicochemical variation, residue mobility, and thermodynamic stability) performed at Invitae indicates that this missense variant is expected to disrupt HEXA protein function. This missense change has been observed in individual(s) with HEXA-related conditions (PMID: 33811753). This variant is not present in population databases (gnomAD no frequency). This sequence change replaces aspartic acid, which is acidic and polar, with glycine, which is neutral and non-polar, at codon 322 of the HEXA protein (p.Asp322Gly).

Literature cited by the submitters: PubMed 33811753 (cited by 3 submitters); PubMed 22390110 (cited by Labcorp Genetics (formerly Invitae), Labcorp); PubMed 22723944 (cited by Labcorp Genetics (formerly Invitae), Labcorp); PubMed 23852624 (cited by Labcorp Genetics (formerly Invitae), Labcorp).